The following is an entry in ClinVar:

NM_000264.5(PTCH1):c.685A>T (p.Ile229Phe)

Gene: PTCH1 (patched 1; minus strand). Cytogenetic location: 9q22.32.
Variant type: single nucleotide variant.
Coding change: c.685A>T on transcript NM_000264.5 (MANE Select); coding-DNA position 685, A replaced by T.
Protein change: p.Ile229Phe; replaces isoleucine 229 with phenylalanine.
Molecular consequence: missense variant. On other transcripts: non-coding transcript variant (1).
Genome position (GRCh38, 1-based): chr9:95,482,010, T>A on the plus strand (A>T on the coding strand, the complement: PTCH1 is on the minus strand). VCF-style: chr9-95482010-T-A. GRCh37 (hg19) VCF-style: chr9-98244292-T-A.
Other names: c.487A>T, p.Ile163Phe (NM_001083602.3, NM_001354919.2); c.682A>T, p.Ile228Phe (NM_001083603.3); c.232A>T, p.Ile78Phe (NM_001083604.3, NM_001083605.3, NM_001083606.3 and 1 more transcripts); c.685A>T, p.Ile229Phe (NM_001354918.2); short protein forms I163F, I229F, I228F, I78F.
Identifiers: ClinVar variation 2626244 (VCV002626244.3), dbSNP rs1841575695, ClinGen allele CA374114923.
Genomic context (GRCh38, chr9:95,482,010, plus strand): 5'-GGAGGTATGCTGTCCCAGACTGTAATTTCGCCCCTTCCCAGAAGCAGTCCAAAGGTGTAA[T>A]AATCAAACAAGGGTAAAGATATTCTATTATCTGTCAAAGTTAAAAAGAAGAGGCCATGCG-3'
Protein context (NP_000255.2, residues 219-239): IIEYLYPCLI[Ile229Phe]TPLDCFWEGA

ClinVar aggregate classification (germline): Uncertain significance (1 of 4 stars; one submission).

Conditions:
Hereditary cancer-predisposing syndrome. Also called: Hereditary neoplastic syndrome; Hereditary Cancer Syndrome; Neoplastic Syndromes, Hereditary; Tumor predisposition. Identifiers: Orphanet 140162, MedGen C0027672, MeSH D009386, MONDO:0015356.

Allele frequency attached by ClinVar (database versions not stated): gnomAD exomes below 0.00001.
gnomAD v4.1: 1 of 1,613,956 alleles (0.000062%); highest among the groups gnomAD compares: Non-Finnish European, 0.000085%; no homozygotes.

Submission:

Ambry Genetics
Classification: Uncertain significance for Hereditary cancer-predisposing syndrome. Last evaluated: 2026-07-06. Review status: criteria provided, single submitter. Criteria: Ambry Variant Classification Scheme 2023. Collection method: clinical testing. Allele origin: germline.
Comment: The p.I229F variant (also known as c.685A>T), located in coding exon 5 of the PTCH1 gene, results from an A to T substitution at nucleotide position 685. The isoleucine at codon 229 is replaced by phenylalanine, an amino acid with highly similar properties. This amino acid position is highly conserved in available vertebrate species. In addition, this alteration is predicted to be deleterious by in silico analysis. Based on the available evidence, the clinical significance of this variant remains unclear.